The following is an entry in ClinVar:

ClinVar aggregate classification (germline): Uncertain significance (1 of 4 stars; one submission).

Conditions:
Fanconi anemia (FA). Also called: Fanconi's anemia. Identifiers: Orphanet 84, MedGen C0015625, MeSH D005199, MONDO:0019391.

gnomAD v4.1: 5 of 1,613,760 alleles (0.00031%); highest among the groups gnomAD compares: Non-Finnish European, 0.00034%; no homozygotes.

Submission:

Labcorp Genetics (formerly Invitae), Labcorp
Classification: Uncertain significance for Fanconi anemia. Last evaluated: 2025-06-03. Review status: criteria provided, single submitter. Criteria: Invitae Variant Classification Sherloc (09022015). Collection method: clinical testing. Allele origin: germline.
Comment: This sequence change replaces leucine, which is neutral and non-polar, with phenylalanine, which is neutral and non-polar, at codon 72 of the FANCA protein (p.Leu72Phe). This variant is present in population databases (no rsID available, gnomAD 0.0009%). This variant has not been reported in the literature in individuals affected with FANCA-related conditions. Invitae Evidence Modeling of protein sequence and biophysical properties (such as structural, functional, and spatial information, amino acid conservation, physicochemical variation, residue mobility, and thermodynamic stability) indicates that this missense variant is not expected to disrupt FANCA protein function with a negative predictive value of 95%. In summary, the available evidence is currently insufficient to determine the role of this variant in disease. Therefore, it has been classified as a Variant of Uncertain Significance.

NM_000135.4(FANCA):c.216G>C (p.Leu72Phe)

Gene: FANCA (FA complementation group A; minus strand). Cytogenetic location: 16q24.3.
Variant type: single nucleotide variant.
Coding change: c.216G>C on transcript NM_000135.4 (MANE Select); coding-DNA position 216, G replaced by C.
Protein change: p.Leu72Phe; replaces leucine 72 with phenylalanine.
Molecular consequence: missense variant.
Genome position (GRCh38, 1-based): chr16:89,814,587, C>G on the plus strand (G>C on the coding strand, the complement: FANCA is on the minus strand). VCF-style: chr16-89814587-C-G. GRCh37 (hg19) VCF-style: chr16-89880995-C-G.
Other names: c.216G>C, p.Leu72Phe (NM_001018112.3, NM_001286167.3, NM_001351830.2); short protein forms L72F.
Identifiers: ClinVar variation 4737233 (VCV004737233.1).